The following is an entry in ClinVar:

NM_000321.3(RB1):c.1904C>G (p.Ala635Gly)

Gene: RB1 (RB transcriptional corepressor 1; plus strand). Cytogenetic location: 13q14.2.
Variant type: single nucleotide variant.
Coding change: c.1904C>G on transcript NM_000321.3 (MANE Select); coding-DNA position 1904, C replaced by G.
Protein change: p.Ala635Gly; replaces alanine 635 with glycine.
Molecular consequence: missense variant.
Genome position (GRCh38, 1-based): chr13:48,456,293, C>G. VCF-style: chr13-48456293-C-G. GRCh37 (hg19) VCF-style: chr13-49030429-C-G.
Other names: short protein forms A635G.
Identifiers: ClinVar variation 645425 (VCV000645425.8), dbSNP rs1593532038, ClinGen allele CA388166073.
Genomic context (GRCh38, chr13:48,456,293, plus strand): 5'-AAAAAGGTTCAACTACGCGTGTAAATTCTACTGCAAATGCAGAGACACAAGCAACCTCAG[C>G]CTTCCAGACCCAGAAGCCATTGAAATCTACCTCTCTTTCACTGTTTTATAAAAAAGGTTA-3'
Protein context (NP_000312.2, residues 625-645): TANAETQATS[Ala635Gly]FQTQKPLKST

ClinVar aggregate classification (germline): Uncertain significance (1 of 4 stars; one submission).

Conditions:
Retinoblastoma (RB1). Also called: RETINOBLASTOMA, SOMATIC. Identifiers: Orphanet 790, MedGen C0035335, MeSH D012175, MONDO:0008380, OMIM 180200, HP:0009919. Disease mechanism: loss of function. Inheritance: Both sporadic and heritable forms are tested..

Submission:

Labcorp Genetics (formerly Invitae), Labcorp
Classification: Uncertain significance for Retinoblastoma. Last evaluated: 2025-06-07. Review status: criteria provided, single submitter. Criteria: Invitae Variant Classification Sherloc (09022015). Collection method: clinical testing. Allele origin: germline.
Comment: This sequence change replaces alanine, which is neutral and non-polar, with glycine, which is neutral and non-polar, at codon 635 of the RB1 protein (p.Ala635Gly). This variant is not present in population databases (gnomAD no frequency). This variant has not been reported in the literature in individuals affected with RB1-related conditions. ClinVar contains an entry for this variant (Variation ID: 645425). Invitae Evidence Modeling of protein sequence and biophysical properties (such as structural, functional, and spatial information, amino acid conservation, physicochemical variation, residue mobility, and thermodynamic stability) indicates that this missense variant is not expected to disrupt RB1 protein function with a negative predictive value of 80%. In summary, the available evidence is currently insufficient to determine the role of this variant in disease. Therefore, it has been classified as a Variant of Uncertain Significance.